The following is an entry in ClinVar:

NM_138387.4(G6PC3):c.131C>T (p.Pro44Leu)

Genes: G6PC3 (glucose-6-phosphatase catalytic subunit 3; plus strand), LOC130060959 (ATAC-STARR-seq lymphoblastoid active region 12250; plus strand). Cytogenetic location: 17q21.31.
Variant type: single nucleotide variant.
Coding change: c.131C>T on transcript NM_138387.4 (MANE Select); coding-DNA position 131, C replaced by T.
Protein change: p.Pro44Leu; replaces proline 44 with leucine.
Molecular consequence: missense variant. On other transcripts: 5 prime UTR variant (3), intron variant (1).
Genome position (GRCh38, 1-based): chr17:44,071,096, C>T. VCF-style: chr17-44071096-C-T. GRCh37 (hg19) VCF-style: chr17-42148464-C-T.
Other names: c.131C>T, p.Pro44Leu (NM_001319945.2); c.-274C>T (NM_001384165.1); c.-409C>T (NM_001384166.1); c.-399C>T (NM_001384167.1); c.-312+382C>T (NM_001384168.1); short protein forms P44L.
Identifiers: ClinVar variation 2736600 (VCV002736600.4), dbSNP rs762019955, ClinGen allele CA8595888.

ClinVar aggregate classification (germline): Pathogenic/Likely pathogenic. Review status: criteria provided, multiple submitters, no conflicts (2 of 4 stars). 2 submissions from 2 submitters: Pathogenic (1); Likely pathogenic (1). Last evaluated 2023-10-28.

Conditions:
Autosomal recessive severe congenital neutropenia due to G6PC3 deficiency. Also called: NEUTROPENIA, SEVERE CONGENITAL, 4, AUTOSOMAL RECESSIVE; G6PC3 Deficiency. Identifiers: Orphanet 331176, MedGen C2751630, MONDO:0012930, OMIM 612541.
G6PC3-related disorders.

Allele frequency attached by ClinVar (database versions not stated): ExAC 0.00001.
gnomAD v4.1: 2 of 1,613,896 alleles (0.00012%); highest among the groups gnomAD compares: Non-Finnish European, 0.000085%; no homozygotes.

Submissions (2):

Labcorp Genetics (formerly Invitae), Labcorp
Classification: Pathogenic for Autosomal recessive severe congenital neutropenia due to G6PC3 deficiency. Last evaluated: 2023-10-28. Review status: criteria provided, single submitter. Criteria: Invitae Variant Classification Sherloc (09022015). Collection method: clinical testing. Allele origin: germline.
Comment: This sequence change replaces proline, which is neutral and non-polar, with leucine, which is neutral and non-polar, at codon 44 of the G6PC3 protein (p.Pro44Leu). This variant is present in population databases (rs762019955, gnomAD 0.0009%). This missense change has been observed in individuals with G6PC3 deficiency (PMID: 22050868, 31321910, 32623377). Advanced modeling of protein sequence and biophysical properties (such as structural, functional, and spatial information, amino acid conservation, physicochemical variation, residue mobility, and thermodynamic stability) performed at Invitae indicates that this missense variant is expected to disrupt G6PC3 protein function with a positive predictive value of 80%. Experimental studies have shown that this missense change affects G6PC3 function (PMID: 25492228). This variant disrupts the p.Pro44 amino acid residue in G6PC3. Other variant(s) that disrupt this residue have been determined to be pathogenic (PMID: 21385794, 22469094, 27577878, 29163546). This suggests that this residue is clinically significant, and that variants that disrupt this residue are likely to be disease-causing. For these reasons, this variant has been classified as Pathogenic.

Blueprint Genetics
Classification: Likely pathogenic for G6PC3-related disorders. Last evaluated: 2020-11-13. Review status: criteria provided, single submitter. Criteria: ACMG Guidelines, 2015. Collection method: clinical testing. Allele origin: germline. Affected: yes. Observed: 1 variant allele.

Literature cited by the submitters: PubMed 22050868 (cited by Labcorp Genetics (formerly Invitae), Labcorp); PubMed 31321910 (cited by Labcorp Genetics (formerly Invitae), Labcorp); PubMed 32623377 (cited by Labcorp Genetics (formerly Invitae), Labcorp); PubMed 25492228 (cited by Labcorp Genetics (formerly Invitae), Labcorp); PubMed 21385794 (cited by Labcorp Genetics (formerly Invitae), Labcorp); PubMed 22469094 (cited by Labcorp Genetics (formerly Invitae), Labcorp); PubMed 27577878 (cited by Labcorp Genetics (formerly Invitae), Labcorp); PubMed 29163546 (cited by Labcorp Genetics (formerly Invitae), Labcorp).